The following is an entry in ClinVar:

NM_004100.5(EYA4):c.479T>C (p.Met160Thr)

Gene: EYA4 (EYA transcriptional coactivator and phosphatase 4; plus strand). Cytogenetic location: 6q23.2.
Variant type: single nucleotide variant.
Coding change: c.479T>C on transcript NM_004100.5 (MANE Select); coding-DNA position 479, T replaced by C.
Protein change: p.Met160Thr; replaces methionine 160 with threonine.
Molecular consequence: missense variant.
Genome position (GRCh38, 1-based): chr6:133,462,376, T>C. VCF-style: chr6-133462376-T-C. GRCh37 (hg19) VCF-style: chr6-133783514-T-C.
Other names: c.317T>C, p.Met106Thr (NM_001301012.2, NM_001370459.1); c.479T>C, p.Met160Thr (NM_001301013.2, NM_172105.4); c.410T>C, p.Met137Thr (NM_001370458.1, NM_172103.4); short protein forms M106T, M137T, M160T.
Identifiers: ClinVar variation 3712498 (VCV003712498.2).
Genomic context (GRCh38, chr6:133,462,376, plus strand): 5'-CTATTTTTCTGATATTTAGGCCCTATCCACACATTCTTTCTACACCAGCAGCTCAAACAA[T>C]GTCTGCCTATGCAGGCCAGACTCAGTATTCGGGGATGCAGCAGCCAGCCGTCTACACAGC-3'
Protein context (NP_004091.3, residues 150-170): HILSTPAAQT[Met160Thr]SAYAGQTQYS

ClinVar aggregate classification (germline): Uncertain significance (1 of 4 stars; one submission).

Conditions:
Dilated cardiomyopathy 1J (CMD1J). Also called: CARDIOMYOPATHY, DILATED, WITH SENSORINEURAL HEARING LOSS, AUTOSOMAL DOMINANT. Identifiers: Orphanet 217622, MedGen C1854368, MONDO:0011541, OMIM 605362.

Submission:

Labcorp Genetics (formerly Invitae), Labcorp
Classification: Uncertain significance for Dilated cardiomyopathy 1J. Last evaluated: 2024-10-21. Review status: criteria provided, single submitter. Criteria: Invitae Variant Classification Sherloc (09022015). Collection method: clinical testing. Allele origin: germline.
Comment: This sequence change replaces methionine, which is neutral and non-polar, with threonine, which is neutral and polar, at codon 160 of the EYA4 protein (p.Met160Thr). This variant is present in population databases (no rsID available, gnomAD 0.0009%). This variant has not been reported in the literature in individuals affected with EYA4-related conditions. An algorithm developed to predict the effect of missense changes on protein structure and function (PolyPhen-2) suggests that this variant is likely to be tolerated. In summary, the available evidence is currently insufficient to determine the role of this variant in disease. Therefore, it has been classified as a Variant of Uncertain Significance.